The following is an entry in ClinVar:

NM_177438.3(DICER1):c.3720T>C (p.Asn1240=)

Gene: DICER1 (dicer 1, ribonuclease III; minus strand). Cytogenetic location: 14q32.13.
Variant type: single nucleotide variant.
Coding change: c.3720T>C on transcript NM_177438.3 (MANE Select); coding-DNA position 3720, T replaced by C.
Protein change: p.Asn1240=; no amino-acid change (asparagine 1240 retained).
Molecular consequence: synonymous variant. On other transcripts: non-coding transcript variant (6).
Genome position (GRCh38, 1-based): chr14:95,103,676, A>G on the plus strand (T>C on the coding strand, the complement: DICER1 is on the minus strand). VCF-style: chr14-95103676-A-G. GRCh37 (hg19) VCF-style: chr14-95570013-A-G.
Other names: c.3720T>C, p.Asn1240= (NM_001195573.1, NM_001271282.3, NM_001291628.2 and 13 more transcripts); c.3438T>C, p.Asn1146= (NM_001395686.1); c.3315T>C, p.Asn1105= (NM_001395687.1, NM_001395688.1, NM_001395689.1 and 2 more transcripts); c.3153T>C, p.Asn1051= (NM_001395691.1); c.2037T>C, p.Asn679= (NM_001395697.1).
Identifiers: ClinVar variation 2727013 (VCV002727013.4), dbSNP rs2542700656, ClinGen allele CA487844903.
Genomic context (GRCh38, chr14:95,103,676, plus strand): 5'-TACGGCCATCACAGGACTTCCATCTGAGGTAGATTTGTTAGCATTTCCATCAAGGTATTT[A>G]TTACTCAGGAGAGTACATTCATCGCTGGGCTGGGGCTGGTTCTCGTAACTGTATAAATTC-3'
Protein context (NP_803187.1, residues 1230-1250): QPSDECTLLS[Asn1240=]KYLDGNANKS

ClinVar aggregate classification (germline): Benign/Likely benign. Review status: criteria provided, multiple submitters, no conflicts (2 of 4 stars). 2 submissions from 2 submitters: Benign (1); Likely benign (1). Last evaluated 2026-08-18.

Conditions:
DICER1-related tumor predisposition. Also called: DICER1-related pleuropulmonary blastoma cancer predisposition syndrome; DICER1 syndrome. Identifiers: Orphanet 284343, MedGen C3839822, MONDO:0100216.

Submissions (2):

Myriad Genetics, Inc.
Classification: Benign for DICER1-related tumor predisposition. Last evaluated: 2026-08-18. Review status: criteria provided, single submitter. Criteria: Myriad Autosomal Dominant, Autosomal Recessive and X-Linked Classification Criteria (2023). Collection method: clinical testing. Allele origin: unknown.
Comment: This variant is considered benign. This variant is a silent/synonymous amino acid change and it is not expected to impact splicing.

Labcorp Genetics (formerly Invitae), Labcorp
Classification: Likely benign for DICER1-related tumor predisposition. Last evaluated: 2023-06-24. Review status: criteria provided, single submitter. Criteria: Invitae Variant Classification Sherloc (09022015). Collection method: clinical testing. Allele origin: germline.